The following is an entry in ClinVar:

NM_006206.6(PDGFRA):c.809A>G (p.Lys270Arg)

Gene: PDGFRA (platelet derived growth factor receptor alpha; plus strand). Cytogenetic location: 4q12.
Variant type: single nucleotide variant.
Coding change: c.809A>G on transcript NM_006206.6 (MANE Select); coding-DNA position 809, A replaced by G.
Protein change: p.Lys270Arg; replaces lysine 270 with arginine.
Molecular consequence: missense variant.
Genome position (GRCh38, 1-based): chr4:54,267,338, A>G. VCF-style: chr4-54267338-A-G. GRCh37 (hg19) VCF-style: chr4-55133505-A-G.
Other names: c.809A>G, p.Lys270Arg (NM_001347827.2, NM_001347829.2); c.884A>G, p.Lys295Arg (NM_001347828.2); c.848A>G, p.Lys283Arg (NM_001347830.2); short protein forms K295R, K283R, K270R.
Identifiers: ClinVar variation 1514192 (VCV001514192.11), dbSNP rs545359247, ClinGen allele CA356891154.

ClinVar aggregate classification (germline): Uncertain significance. Review status: criteria provided, multiple submitters, no conflicts (2 of 4 stars). 2 submissions from 2 submitters: Uncertain significance (2). Last evaluated 2025-01-23.

Conditions:
Hereditary cancer-predisposing syndrome. Also called: Tumor predisposition; Neoplastic Syndromes, Hereditary; Hereditary Cancer Syndrome; Hereditary neoplastic syndrome. Identifiers: Orphanet 140162, MedGen C0027672, MeSH D009386, MONDO:0015356.
Gastrointestinal stromal tumor. Also called: Gastrointestinal stromal tumor, somatic; Gastrointestinal stroma tumor. Identifiers: Orphanet 44890, MedGen C0238198, MeSH D046152, MONDO:0011719, OMIM 606764, HP:0100723.

Allele frequency attached by ClinVar (database versions not stated): TOPMed below 0.00001.

Submissions (2):

Labcorp Genetics (formerly Invitae), Labcorp
Classification: Uncertain significance for Gastrointestinal stromal tumor. Last evaluated: 2025-01-23. Review status: criteria provided, single submitter. Criteria: Invitae Variant Classification Sherloc (09022015). Collection method: clinical testing. Allele origin: germline.
Comment: This sequence change replaces lysine, which is basic and polar, with arginine, which is basic and polar, at codon 270 of the PDGFRA protein (p.Lys270Arg). This variant is not present in population databases (gnomAD no frequency). This variant has not been reported in the literature in individuals affected with PDGFRA-related conditions. ClinVar contains an entry for this variant (Variation ID: 1514192). Invitae Evidence Modeling of protein sequence and biophysical properties (such as structural, functional, and spatial information, amino acid conservation, physicochemical variation, residue mobility, and thermodynamic stability) indicates that this missense variant is not expected to disrupt PDGFRA protein function with a negative predictive value of 80%. In summary, the available evidence is currently insufficient to determine the role of this variant in disease. Therefore, it has been classified as a Variant of Uncertain Significance.

Ambry Genetics
Classification: Uncertain significance for Hereditary cancer-predisposing syndrome. Last evaluated: 2024-10-11. Review status: criteria provided, single submitter. Criteria: Ambry Variant Classification Scheme 2023. Collection method: clinical testing. Allele origin: germline.
Comment: The p.K270R variant (also known as c.809A>G), located in coding exon 5 of the PDGFRA gene, results from an A to G substitution at nucleotide position 809. The lysine at codon 270 is replaced by arginine, an amino acid with highly similar properties. This amino acid position is conserved. In addition, this alteration is predicted to be tolerated by in silico analysis. Since supporting evidence is limited at this time, the clinical significance of this alteration remains unclear.